The following is an entry in ClinVar:

ClinVar aggregate classification (germline): Uncertain significance (1 of 4 stars; one submission).

gnomAD v4.1: 3 of 1,613,088 alleles (0.00019%); highest among the groups gnomAD compares: Admixed American, 0.005%; no homozygotes.

Submission:

CeGaT Center for Human Genetics Tuebingen
Classification: Uncertain significance. Last evaluated: 2026-06-01. Review status: criteria provided, single submitter. Criteria: CeGaT Center For Human Genetics Tuebingen Variant Classification Criteria Version 2. Collection method: clinical testing. Allele origin: germline. Affected: yes. Observed: 1 variant allele.
Comment: LAMB3: PM2

NM_000228.3(LAMB3):c.1621A>G (p.Thr541Ala)

Gene: LAMB3 (laminin subunit beta 3; minus strand). Cytogenetic location: 1q32.2.
Variant type: single nucleotide variant.
Coding change: c.1621A>G on transcript NM_000228.3 (MANE Select); coding-DNA position 1621, A replaced by G.
Protein change: p.Thr541Ala; replaces threonine 541 with alanine.
Molecular consequence: missense variant.
Genome position (GRCh38, 1-based): chr1:209,626,003, T>C on the plus strand (A>G on the coding strand, the complement: LAMB3 is on the minus strand). VCF-style: chr1-209626003-T-C. GRCh37 (hg19) VCF-style: chr1-209799348-T-C.
Other names: c.1621A>G, p.Thr541Ala (NM_001017402.2, NM_001127641.1); short protein forms T541A.
Identifiers: ClinVar variation 4875096 (VCV004875096.2).
Genomic context (GRCh38, chr1:209,626,003, plus strand): 5'-CGGTCAAGCCAGGGCGGCAGAGGCAGCGGCCTGATGCCTTGTCGCAGCCCGGGCCCTCTG[T>C]TCCCCGGAAATCACAGTCACAGGCTAGGGCCAAGAAAAATGACAGTCAGAGACAGGGGTC-3'
Protein context (NP_000219.2, residues 531-551): CRACDCDFRG[Thr541Ala]EGPGCDKASG